The following is an entry in ClinVar:

NM_002156.5(HSPD1):c.1140C>T (p.Val380=)

Gene: HSPD1 (heat shock protein family D (Hsp60) member 1; minus strand). Cytogenetic location: 2q33.1.
Variant type: single nucleotide variant.
Coding change: c.1140C>T on transcript NM_002156.5 (MANE Select); coding-DNA position 1140, C replaced by T.
Protein change: p.Val380=; no amino-acid change (valine 380 retained).
Molecular consequence: synonymous variant.
Genome position (GRCh38, 1-based): chr2:197,489,077, G>A on the plus strand (C>T on the coding strand, the complement: HSPD1 is on the minus strand). VCF-style: chr2-197489077-G-A. GRCh37 (hg19) VCF-style: chr2-198353801-G-A.
Other names: p.V380V:GTC>GTT; p.Val380=; c.1140C>T, p.Val380= (NM_199440.2).
Identifiers: ClinVar variation 137561 (VCV000137561.19), dbSNP rs61736612, ClinGen allele CA291191.
Genomic context (GRCh38, chr2:197,489,077, plus strand): 5'-TCCATCTGAAAGTTTTGCAAGCCGTTCATTCAGTTTTTCCTTTTCATATTCACTAGTTGT[G>A]ACATCTAACTGCTCAATGATTTCTTGAATACGTTTTTCAATTTGAGCCTTGTCACCTTTT-3'
Protein context (NP_002147.2, residues 370-390): RIQEIIEQLD[Val380=]TTSEYEKEKL

ClinVar aggregate classification (germline): Benign. Review status: criteria provided, multiple submitters, no conflicts (2 of 4 stars). 6 submissions from 6 submitters: Benign (6). Last evaluated 2026-02-01.

Conditions:
Spastic paraplegia. Identifiers: MedGen C0037772, HP:0001258.
Hereditary spastic paraplegia 13 (SPG13). Also called: Spastic paraplegia 13; SPASTIC PARAPLEGIA 13, AUTOSOMAL DOMINANT. Identifiers: Orphanet 100994, MedGen C1854467, MONDO:0011532, OMIM 605280.

Allele frequency attached by ClinVar (database versions not stated): gnomAD exomes 0.00586 and 0.01539; ExAC 0.01916; gnomAD 0.05690 and 0.06094; 1000 Genomes Project 0.06130; TOPMed 0.06445; 1000 Genomes Project 30x 0.06558; ESP Exome Variant Server 0.06568.
gnomAD v4.1: 17,658 of 1,613,686 alleles (1.1%); highest among the groups gnomAD compares: African/African-American, 20%; 1,525 homozygotes.

Submissions (6):

Labcorp Genetics (formerly Invitae), Labcorp
Classification: Benign for Spastic paraplegia. Last evaluated: 2026-02-01. Review status: criteria provided, single submitter. Criteria: Invitae Variant Classification Sherloc (09022015). Collection method: clinical testing. Allele origin: germline.

Athena Diagnostics
Classification: Benign. Last evaluated: 2024-03-01. Review status: criteria provided, single submitter. Criteria: Athena Diagnostics Criteria. Collection method: clinical testing. Allele origin: unknown.

Mayo Clinic Laboratories, Mayo Clinic
Classification: Benign. Last evaluated: 2022-10-31. Review status: criteria provided, single submitter. Criteria: ACMG Guidelines, 2015. Collection method: clinical testing. Allele origin: germline. Observed: 76 variant alleles.

Illumina Laboratory Services, Illumina
Classification: Benign for Hereditary spastic paraplegia 13. Last evaluated: 2018-01-13. Review status: criteria provided, single submitter. Criteria: ICSL Variant Classification Criteria 13 December 2019. Collection method: clinical testing. Allele origin: germline.
Comment: This variant was observed in the ICSL laboratory as part of a predisposition screen in an ostensibly healthy population. It had not been previously curated by ICSL or reported in the Human Gene Mutation Database (HGMD: prior to June 1st, 2018), and was therefore a candidate for classification through an automated scoring system. Utilizing variant allele frequency, disease prevalence and penetrance estimates, and inheritance mode, an automated score was calculated to assess if this variant is too frequent to cause the disease. Based on the score and internal cut-off values, a variant classified as benign is not then subjected to further curation. The score for this variant resulted in a classification of benign for this disease.

GeneDx
Classification: Benign. Last evaluated: 2014-02-03. Review status: criteria provided, single submitter. Criteria: GeneDx Variant Classification (06012015). Collection method: clinical testing. Allele origin: germline. Affected: yes.
Comment: This variant is considered likely benign or benign based on one or more of the following criteria: it is a conservative change, it occurs at a poorly conserved position in the protein, it is predicted to be benign by multiple in silico algorithms, and/or has population frequency not consistent with disease.

Breakthrough Genomics
Classification: Benign. Review status: criteria provided, single submitter. Criteria: ACMG Guidelines, 2015. Collection method: not provided. Allele origin: germline. Inheritance: Autosomal recessive inheritance. Affected: yes.